The following is an entry in ClinVar:

ClinVar aggregate classification (germline): Conflicting classifications of pathogenicity. Review status: criteria provided, conflicting classifications (1 of 4 stars). 2 submissions from 2 submitters: Likely pathogenic (1); Uncertain significance (1). Last evaluated 2023-01-04.

Conditions:
Tuberous sclerosis 2 (TSC2). Identifiers: Orphanet 805, MedGen C1860707, MONDO:0013199, OMIM 613254.

Submissions (2):

Institute of Human Genetics, University of Leipzig Medical Center
Classification: Likely pathogenic for Tuberous sclerosis 2. Last evaluated: 2023-01-04. Review status: criteria provided, single submitter. Criteria: ACMG Guidelines, 2015. Collection method: clinical testing. Allele origin: maternal. Affected: yes.
Comment: Criteria applied: PM1, PM5, PM2_SUP, PP3, PP4

Labcorp Genetics (formerly Invitae), Labcorp
Classification: Uncertain significance for Tuberous sclerosis 2. Last evaluated: 2022-10-07. Review status: criteria provided, single submitter. Criteria: Invitae Variant Classification Sherloc (09022015). Collection method: clinical testing. Allele origin: germline.
Comment: This variant is not present in population databases (gnomAD no frequency). This sequence change replaces aspartic acid, which is acidic and polar, with asparagine, which is neutral and polar, at codon 1690 of the TSC2 protein (p.Asp1690Asn). This variant also falls at the last nucleotide of exon 39, which is part of the consensus splice site for this exon. This variant has not been reported in the literature in individuals affected with TSC2-related conditions. In summary, the available evidence is currently insufficient to determine the role of this variant in disease. Therefore, it has been classified as a Variant of Uncertain Significance. This variant disrupts the c.5068G nucleotide in the TSC2 gene. Other variant(s) that disrupt this nucleotide have been determined to be pathogenic (PMID: 9829910; Invitae). This suggests that this nucleotide is clinically significant, and that variants that disrupt this position are likely to be disease-causing. Variants that disrupt the consensus splice site are a relatively common cause of aberrant splicing (PMID: 17576681, 9536098). Algorithms developed to predict the effect of sequence changes on RNA splicing suggest that this variant may disrupt the consensus splice site. Algorithms developed to predict the effect of missense changes on protein structure and function are either unavailable or do not agree on the potential impact of this missense change (SIFT: "Deleterious"; PolyPhen-2: "Probably Damaging"; Align-GVGD: "Class C0"). ClinVar contains an entry for this variant (Variation ID: 535944).

Literature cited by the submitters: PubMed 9829910 (cited by Labcorp Genetics (formerly Invitae), Labcorp); PubMed 17576681 (cited by Labcorp Genetics (formerly Invitae), Labcorp); PubMed 9536098 (cited by Labcorp Genetics (formerly Invitae), Labcorp).

NM_000548.5(TSC2):c.5068G>A (p.Asp1690Asn)

Gene: TSC2 (TSC complex subunit 2; plus strand). Cytogenetic location: 16p13.3.
Variant type: single nucleotide variant.
Coding change: c.5068G>A on transcript NM_000548.5 (MANE Select); coding-DNA position 5068, G replaced by A.
Protein change: p.Asp1690Asn; replaces aspartic acid 1690 with asparagine.
Molecular consequence: missense variant.
Genome position (GRCh38, 1-based): chr16:2,087,941, G>A. VCF-style: chr16-2087941-G-A. GRCh37 (hg19) VCF-style: chr16-2137942-G-A.
Other names: c.4867G>A, p.Asp1623Asn (NM_001077183.3); c.4999G>A, p.Asp1667Asn (NM_001114382.3); c.4759G>A, p.Asp1587Asn (NM_001318827.2); c.4723G>A, p.Asp1575Asn (NM_001318829.2); c.4336G>A, p.Asp1446Asn (NM_001318831.2); c.4900G>A, p.Asp1634Asn (NM_001318832.2); c.4870G>A, p.Asp1624Asn (NM_001363528.2); c.4936G>A, p.Asp1646Asn (NM_001370404.1); and 1 more; short protein forms D1690N, D1575N, D1634N, D1646N, D1624N, D1667N, D1587N, D1623N.
Identifiers: ClinVar variation 535944 (VCV000535944.8), dbSNP rs137854882, ClinGen allele CA394311729.